The following is an entry in ClinVar:

ClinVar aggregate classification (germline): Uncertain significance (1 of 4 stars; one submission).

Conditions:
Mendelian susceptibility to mycobacterial diseases due to complete IL12B deficiency. Also called: IL12B DEFICIENCY; Immunodeficiency 29. Identifiers: Orphanet 319558, MedGen C4013948, MONDO:0013954, OMIM 614890.

Allele frequency attached by ClinVar (database versions not stated): gnomAD exomes 0.00001; ExAC 0.00003.

Submission:

Labcorp Genetics (formerly Invitae), Labcorp
Classification: Uncertain significance for Mendelian susceptibility to mycobacterial diseases due to complete IL12B deficiency. Last evaluated: 2022-03-27. Review status: criteria provided, single submitter. Criteria: Invitae Variant Classification Sherloc (09022015). Collection method: clinical testing. Allele origin: germline.
Comment: In summary, the available evidence is currently insufficient to determine the role of this variant in disease. Therefore, it has been classified as a Variant of Uncertain Significance. Algorithms developed to predict the effect of missense changes on protein structure and function output the following: SIFT: "Tolerated"; PolyPhen-2: "Benign"; Align-GVGD: "Class C0". The asparagine amino acid residue is found in multiple mammalian species, which suggests that this missense change does not adversely affect protein function. This variant has not been reported in the literature in individuals affected with IL12B-related conditions. This variant is present in population databases (rs746799998, gnomAD 0.01%). This sequence change replaces serine, which is neutral and polar, with asparagine, which is neutral and polar, at codon 66 of the IL12B protein (p.Ser66Asn).

NM_002187.3(IL12B):c.197G>A (p.Ser66Asn)

Gene: IL12B (interleukin 12B; minus strand). Cytogenetic location: 5q33.3.
Variant type: single nucleotide variant.
Coding change: c.197G>A on transcript NM_002187.3 (MANE Select); coding-DNA position 197, G replaced by A.
Protein change: p.Ser66Asn; replaces serine 66 with asparagine.
Molecular consequence: missense variant.
Genome position (GRCh38, 1-based): chr5:159,323,221, C>T on the plus strand (G>A on the coding strand, the complement: IL12B is on the minus strand). VCF-style: chr5-159323221-C-T. GRCh37 (hg19) VCF-style: chr5-158750229-C-T.
Other names: short protein forms S66N.
Identifiers: ClinVar variation 2152264 (VCV002152264.4), dbSNP rs746799998, ClinGen allele CA3538866.
Genomic context (GRCh38, chr5:159,323,221, plus strand): 5'-CCAGCATCTCCAAACTCTTTGACTTGGATGGTCAGGGTTTTGCCAGAGCCTAAGACCTCA[C>T]TGCTCTGGTCCAAGGTCCAGGTGATACCATCTTCTTCAGGGGTGTCACAGGTGAGGACCA-3'
Protein context (NP_002178.2, residues 56-76): DGITWTLDQS[Ser66Asn]EVLGSGKTLT